The following is an entry in ClinVar:

NM_000836.4(GRIN2D):c.3950G>T (p.Gly1317Val)

Gene: GRIN2D (glutamate ionotropic receptor NMDA type subunit 2D; plus strand). Cytogenetic location: 19q13.33.
Variant type: single nucleotide variant.
Coding change: c.3950G>T on transcript NM_000836.4 (MANE Select); coding-DNA position 3950, G replaced by T.
Protein change: p.Gly1317Val; replaces glycine 1317 with valine.
Molecular consequence: missense variant.
Genome position (GRCh38, 1-based): chr19:48,443,876, G>T. VCF-style: chr19-48443876-G-T. GRCh37 (hg19) VCF-style: chr19-48947133-G-T.
Other names: short protein forms G1317V.
Identifiers: ClinVar variation 1911278 (VCV001911278.6), dbSNP rs904560994, ClinGen allele CA309299644.
Genomic context (GRCh38, chr19:48,443,876, plus strand): 5'-GTCCGCACGCCGCGCACTGGGGGCCGCCGCTGCCCACAGCTTCCCACCGGAGACACCGGG[G>T]CGGGGACCTGGGCACCCGCAGGGGCTCGGCGCACTTCTCTAGCCTCGAGTCCGAGGTATG-3'
Protein context (NP_000827.2, residues 1307-1327): LPTASHRRHR[Gly1317Val]GDLGTRRGSA

ClinVar aggregate classification (germline): Uncertain significance. Review status: criteria provided, multiple submitters, no conflicts (2 of 4 stars). 2 submissions from 2 submitters: Uncertain significance (2). Last evaluated 2025-12-09.

Allele frequency attached by ClinVar (database versions not stated): TOPMed below 0.00001; gnomAD 0.00001; gnomAD exomes 0.00001.
gnomAD v4.1: 10 of 1,477,672 alleles (0.00068%); highest among the groups gnomAD compares: Non-Finnish European, 0.00089%; no homozygotes.

Submissions (2):

Women's Health and Genetics/Laboratory Corporation of America, LabCorp
Classification: Uncertain significance. Last evaluated: 2025-12-09. Review status: criteria provided, single submitter. Criteria: LabCorp Variant Classification Summary - May 2015. Collection method: clinical testing. Allele origin: germline.
Comment: Variant summary: GRIN2D c.3950G>T (p.Gly1317Val) results in a non-conservative amino acid change in the encoded protein sequence. Algorithms developed to predict the effect of missense changes on protein structure and function are either unavailable or do not agree on the potential impact of this missense change. The frequency data for this variant in gnomAD is considered unreliable, as metrics indicate poor data quality at this position. To our knowledge, no occurrence of c.3950G>T in individuals affected with GRIN2D-related conditions and no experimental evidence demonstrating its impact on protein function have been reported. ClinVar contains an entry for this variant (Variation ID: 1911278). Based on the evidence outlined above, the variant was classified as uncertain significance.

Labcorp Genetics (formerly Invitae), Labcorp
Classification: Uncertain significance. Last evaluated: 2024-10-30. Review status: criteria provided, single submitter. Criteria: Invitae Variant Classification Sherloc (09022015). Collection method: clinical testing. Allele origin: germline.
Comment: This sequence change replaces glycine, which is neutral and non-polar, with valine, which is neutral and non-polar, at codon 1317 of the GRIN2D protein (p.Gly1317Val). The frequency data for this variant in the population databases is considered unreliable, as metrics indicate poor data quality at this position in the gnomAD database. This variant has not been reported in the literature in individuals affected with GRIN2D-related conditions. ClinVar contains an entry for this variant (Variation ID: 1911278). Invitae Evidence Modeling of protein sequence and biophysical properties (such as structural, functional, and spatial information, amino acid conservation, physicochemical variation, residue mobility, and thermodynamic stability) indicates that this missense variant is not expected to disrupt GRIN2D protein function with a negative predictive value of 95%. In summary, the available evidence is currently insufficient to determine the role of this variant in disease. Therefore, it has been classified as a Variant of Uncertain Significance.